The following is an entry in ClinVar:

NM_002618.4(PEX13):c.32C>G (p.Pro11Arg)

Genes: PEX13 (peroxisomal biogenesis factor 13; plus strand), PUS10 (pseudouridine synthase 10; minus strand). Cytogenetic location: 2p15.
Variant type: single nucleotide variant.
Coding change: c.32C>G on transcript NM_002618.4 (MANE Select); coding-DNA position 32, C replaced by G.
Protein change: p.Pro11Arg; replaces proline 11 with arginine.
Molecular consequence: missense variant. On other transcripts: intron variant (2).
Genome position (GRCh38, 1-based): chr2:61,017,791, C>G. VCF-style: chr2-61017791-C-G. GRCh37 (hg19) VCF-style: chr2-61244926-C-G.
Other names: c.-16+217G>C (NM_144709.4); c.-623+217G>C (NM_001322127.1); c.32C>G (NM_002618.3); short protein forms P11R.
Identifiers: ClinVar variation 1445805 (VCV001445805.6), dbSNP rs564528921, ClinGen allele CA346936804.

ClinVar aggregate classification (germline): Uncertain significance. Review status: criteria provided, multiple submitters, no conflicts (2 of 4 stars). 2 submissions from 2 submitters: Uncertain significance (2). Last evaluated 2025-04-25.

Conditions:
Inborn genetic diseases. Identifiers: MedGen C0950123, MeSH D030342.
Peroxisome biogenesis disorder 11A (Zellweger). Also called: Peroxisome biogenesis disorder 11A. Identifiers: Orphanet 912, MedGen C3554000, MONDO:0013949, OMIM 614883.

gnomAD v4.1: 7 of 1,550,428 alleles (0.00045%); highest among the groups gnomAD compares: Middle Eastern, 0.051%; no homozygotes.

Submissions (2):

Ambry Genetics
Classification: Uncertain significance for Inborn genetic diseases. Last evaluated: 2025-04-25. Review status: criteria provided, single submitter. Criteria: Ambry Variant Classification Scheme 2023. Collection method: clinical testing. Allele origin: germline.

Labcorp Genetics (formerly Invitae), Labcorp
Classification: Uncertain significance for Peroxisome biogenesis disorder 11A (Zellweger). Last evaluated: 2021-09-08. Review status: criteria provided, single submitter. Criteria: Invitae Variant Classification Sherloc (09022015). Collection method: clinical testing. Allele origin: germline.
Comment: This sequence change replaces proline with arginine at codon 11 of the PEX13 protein (p.Pro11Arg). The proline residue is highly conserved and there is a moderate physicochemical difference between proline and arginine. This variant is not present in population databases (ExAC no frequency). This variant has not been reported in the literature in individuals affected with PEX13-related conditions. Algorithms developed to predict the effect of missense changes on protein structure and function are either unavailable or do not agree on the potential impact of this missense change (SIFT: "Tolerated"; PolyPhen-2: "Probably Damaging"; Align-GVGD: "Class C0"). In summary, the available evidence is currently insufficient to determine the role of this variant in disease. Therefore, it has been classified as a Variant of Uncertain Significance.